The following is an entry in ClinVar:

NM_002691.4(POLD1):c.2902C>G (p.Arg968Gly)

Gene: POLD1 (DNA polymerase delta 1, catalytic subunit; plus strand). Cytogenetic location: 19q13.33.
Variant type: single nucleotide variant.
Coding change: c.2902C>G on transcript NM_002691.4 (MANE Select); coding-DNA position 2902, C replaced by G.
Protein change: p.Arg968Gly; replaces arginine 968 with glycine.
Molecular consequence: missense variant. On other transcripts: non-coding transcript variant (1).
Genome position (GRCh38, 1-based): chr19:50,416,477, C>G. VCF-style: chr19-50416477-C-G. GRCh37 (hg19) VCF-style: chr19-50919734-C-G.
Other names: c.2902C>G, p.Arg968Gly (NM_001256849.1); c.2980C>G, p.Arg994Gly (NM_001308632.1); short protein forms R968G, R994G.
Identifiers: ClinVar variation 239317 (VCV000239317.7), dbSNP rs878854545, ClinGen allele CA10583854.

ClinVar aggregate classification (germline): Uncertain significance (1 of 4 stars; one submission).

Conditions:
POLD1-related polyposis and colorectal cancer syndrome (CRCS10). Also called: COLORECTAL CANCER, SUSCEPTIBILITY TO, ON CHROMOSOME 19q; Colorectal cancer 10; Colorectal cancer, susceptibility to, 10. Identifiers: Orphanet 220460, MedGen C2675481, MONDO:0012953, OMIM 612591.

Submission:

Labcorp Genetics (formerly Invitae), Labcorp
Classification: Uncertain significance for POLD1-related polyposis and colorectal cancer syndrome. Last evaluated: 2017-05-13. Review status: criteria provided, single submitter. Criteria: Invitae Variant Classification Sherloc (09022015). Collection method: clinical testing. Allele origin: germline.
Comment: In summary, this is a novel missense change with uncertain impact on protein function. It has been classified as a Variant of Uncertain Significance. Algorithms developed to predict the effect of missense changes on protein structure and function do not agree on the potential impact of this missense change (SIFT: "Deleterious"; PolyPhen-2: "Probably Damaging"; Align-GVGD: "Class C0"). This variant is not present in population databases (ExAC no frequency) and has not been reported in the literature in individuals with a POLD1-related disease. This sequence change replaces arginine with glycine at codon 968 of the POLD1 protein (p.Arg968Gly). The arginine residue is highly conserved and there is a moderate physicochemical difference between arginine and glycine.